The following is an entry in ClinVar:

ClinVar aggregate classification (germline): Pathogenic. Review status: criteria provided, multiple submitters, no conflicts (2 of 4 stars). 3 submissions from 3 submitters: Pathogenic (2). 1 of the submissions does not count toward it. Last evaluated 2026-01-05.

Conditions:
CFTR-related disorder (CFTR-RD). Also called: CFTR-related disorders; CFTR-related condition. Identifiers: MedGen C5924204, MONDO:7770004.
Cystic fibrosis (CF). Also called: MUCOVISCIDOSIS. Identifiers: Orphanet 586, MedGen C0010674, MONDO:0009061, OMIM 219700. Disease mechanism: loss of function.

Allele frequency attached by ClinVar (database versions not stated): gnomAD exomes below 0.00001.

Submissions (3):

Natera, Inc.
Classification: Pathogenic for CFTR-related disorders. Last evaluated: 2026-01-05. Review status: criteria provided, single submitter. Criteria: Natera Variant Classification Schema (03/2026). Collection method: clinical testing. Allele origin: germline.
Comment: The c.2909-1G>C variant in CFTR is a canonical splice acceptor site variant predicted to affect pre-mRNA splicing, which may result in an abnormal transcript and altered protein product. This variant is expected to result in nonsense mediated decay, truncation, or a dysfunctional protein product. This variant is rare in the general population with a frequency below the threshold expected for the associated phenotype(s). This variant has been observed in one or more individuals affected with the associated recessive disease, as either homozygous or compound heterozygous with a second variant (PMID: 34860163). Another variant at this same site results in an alteration predicted to cause a similar molecular effect has been observed in individual(s) with the associated phenotype. Given the available evidence, this variant is classified as Pathogenic.

Institute of Human Genetics, University of Leipzig Medical Center
Classification: Pathogenic for Cystic fibrosis. Last evaluated: 2022-09-05. Review status: criteria provided, single submitter. Criteria: ACMG Guidelines, 2015. Collection method: curation. Allele origin: unknown. Affected: yes. Observed: 1 variant allele.
Comment: The variant was classified in the context of a project re-classifying variants in the German Cystic Fibrosis Registry (Muko.e.V.). Criteria applied: PVS1, PS1_SUP, PM2_SUP, PM3

Institute of Human Genetics, Cologne University
Classification: Pathogenic for Cystic fibrosis. Review status: no assertion criteria provided. Collection method: clinical testing. Allele origin: germline. Inheritance: Autosomal recessive inheritance. Affected: yes. Observed: 1 homozygote. Not counted in ClinVar's aggregate classification.

Literature cited by the submitters: PubMed 34860163 (cited by Natera, Inc.).

NM_000492.4(CFTR):c.2909-1G>C

Genes: CFTR (CF transmembrane conductance regulator; plus strand), CFTR-AS2 (CFTR antisense RNA 2; minus strand). Cytogenetic location: 7q31.2.
Variant type: single nucleotide variant.
Coding change: c.2909-1G>C on transcript NM_000492.4 (MANE Select); the canonical splice acceptor site of the intron before coding-DNA position 2909, G replaced by C.
Molecular consequence: splice acceptor variant.
Genome position (GRCh38, 1-based): chr7:117,606,673, G>C. VCF-style: chr7-117606673-G-C. GRCh37 (hg19) VCF-style: chr7-117246727-G-C.
Identifiers: ClinVar variation 982045 (VCV000982045.3), dbSNP rs397508456, ClinGen allele CA368988855.
Genomic context (GRCh38, chr7:117,606,673, plus strand): 5'-TATTGATATATCTTTAAAAAATTAGTGTTTTTTGAGGAATTTGTCATCTTGTATATTATA[G>C]GTGGGATTCTTAATAGATTCTCCAAAGATATAGCAATTTTGGATGACCTTCTGCCTCTTA-3'